The following is an entry in ClinVar:

NM_000075.4(CDK4):c.144C>T (p.Gly48=)

Genes: CDK4 (cyclin dependent kinase 4; minus strand), LOC130008148 (ATAC-STARR-seq lymphoblastoid silent region 4588; plus strand). Cytogenetic location: 12q14.1.
Variant type: single nucleotide variant.
Coding change: c.144C>T on transcript NM_000075.4 (MANE Select); coding-DNA position 144, C replaced by T.
Protein change: p.Gly48=; no amino-acid change (glycine 48 retained).
Molecular consequence: synonymous variant.
Genome position (GRCh38, 1-based): chr12:57,751,574, G>A on the plus strand (C>T on the coding strand, the complement: CDK4 is on the minus strand). VCF-style: chr12-57751574-G-A. GRCh37 (hg19) VCF-style: chr12-58145357-G-A.
Identifiers: ClinVar variation 1772896 (VCV001772896.6), dbSNP rs1955237627, ClinGen allele CA480404862.

ClinVar aggregate classification (germline): Benign/Likely benign. Review status: criteria provided, multiple submitters, no conflicts (2 of 4 stars). 3 submissions from 3 submitters: Benign (1); Likely benign (2). Last evaluated 2024-09-24.

Conditions:
Hereditary cancer-predisposing syndrome. Also called: Hereditary Cancer Syndrome; Hereditary neoplastic syndrome; Neoplastic Syndromes, Hereditary; Tumor predisposition. Identifiers: Orphanet 140162, MedGen C0027672, MeSH D009386, MONDO:0015356.
Familial melanoma. Also called: Hereditary cutaneous melanoma; Hereditary melanoma. Identifiers: Orphanet 618, MedGen C1512419, MONDO:0018961.
Melanoma, cutaneous malignant, susceptibility to, 3. Also called: Cutaneous malignant melanoma 3. Identifiers: Orphanet 618, MedGen C1836892, MONDO:0012183, OMIM 609048.

Submissions (3):

Myriad Genetics, Inc.
Classification: Benign for Melanoma, cutaneous malignant, susceptibility to, 3. Last evaluated: 2024-09-24. Review status: criteria provided, single submitter. Criteria: Myriad Autosomal Dominant, Autosomal Recessive and X-Linked Classification Criteria (2023). Collection method: clinical testing. Allele origin: unknown.
Comment: This variant is considered benign. This variant is a silent/synonymous amino acid change and it is not expected to impact splicing.

Labcorp Genetics (formerly Invitae), Labcorp
Classification: Likely benign for Familial melanoma. Last evaluated: 2024-08-03. Review status: criteria provided, single submitter. Criteria: Invitae Variant Classification Sherloc (09022015). Collection method: clinical testing. Allele origin: germline.

Ambry Genetics
Classification: Likely benign for Hereditary cancer-predisposing syndrome. Last evaluated: 2022-04-23. Review status: criteria provided, single submitter. Criteria: Ambry Variant Classification Scheme 2023. Collection method: clinical testing. Allele origin: germline.